The following is an entry in ClinVar:

NM_001111125.3(IQSEC2):c.618C>T (p.Ser206=)

Gene: IQSEC2 (IQ motif and Sec7 domain ArfGEF 2; minus strand). Cytogenetic location: Xp11.22.
Variant type: single nucleotide variant.
Coding change: c.618C>T on transcript NM_001111125.3 (MANE Select); coding-DNA position 618, C replaced by T.
Protein change: p.Ser206=; no amino-acid change (serine 206 retained).
Molecular consequence: synonymous variant.
Genome position (GRCh38, 1-based): chrX:53,320,506, G>A on the plus strand (C>T on the coding strand, the complement: IQSEC2 is on the minus strand). VCF-style: chrX-53320506-G-A. GRCh37 (hg19) VCF-style: chrX-53349704-G-A.
Identifiers: ClinVar variation 211209 (VCV000211209.22), dbSNP rs370573314, ClinGen allele CA206549.

ClinVar aggregate classification (germline): Conflicting classifications of pathogenicity. Review status: criteria provided, conflicting classifications (1 of 4 stars). 6 submissions from 6 submitters: Uncertain significance (1); Likely benign (4). 1 of the submissions does not count toward it. Last evaluated 2026-06-01.

Conditions:
IQSEC2-related disorder. Also called: IQSEC2-related condition.
Intellectual developmental disorder, X-linked 1. Also called: Intellectual disability, X-linked 1; MENTAL RETARDATION, X-LINKED 18; MENTAL RETARDATION, X-LINKED 78; Atkin Flaitz Patil Smith syndrome. Identifiers: Orphanet 777, MedGen C2931498, MONDO:0010656, OMIM 309530.

Allele frequency attached by ClinVar (database versions not stated): gnomAD 0.00001 and 0.00002; gnomAD exomes 0.00001 and 0.00004; TOPMed 0.00002.
gnomAD v4.1: 33 of 1,160,695 alleles (0.0028%); highest among the groups gnomAD compares: East Asian, 0.023%; no homozygotes.

Submissions (6):

CeGaT Center for Human Genetics Tuebingen
Classification: Likely benign. Last evaluated: 2026-06-01. Review status: criteria provided, single submitter. Criteria: CeGaT Center For Human Genetics Tuebingen Variant Classification Criteria Version 2. Collection method: clinical testing. Allele origin: germline. Affected: yes. Observed: 1 variant allele.
Comment: IQSEC2: BP4, BP7, BS2

Labcorp Genetics (formerly Invitae), Labcorp
Classification: Likely benign for Intellectual developmental disorder, X-linked 1. Last evaluated: 2025-12-05. Review status: criteria provided, single submitter. Criteria: Invitae Variant Classification Sherloc (09022015). Collection method: clinical testing. Allele origin: germline.

Blueprint Genetics
Classification: Likely benign. Last evaluated: 2024-06-12. Review status: criteria provided, single submitter. Criteria: ACMG Guidelines, 2015. Collection method: clinical testing. Allele origin: germline.

GeneDx
Classification: Likely benign. Last evaluated: 2020-11-23. Review status: criteria provided, single submitter. Criteria: GeneDx Variant Classification Process June 2021. Collection method: clinical testing. Allele origin: germline. Affected: yes.

Genetic Services Laboratory, University of Chicago
Classification: Uncertain significance. Last evaluated: 2015-04-23. Review status: criteria provided, single submitter. Criteria: ACMG Guidelines, 2015. Collection method: clinical testing. Allele origin: germline.

PreventionGenetics, part of Exact Sciences
Classification: Likely benign for IQSEC2-related condition. Last evaluated: 2019-02-20. Review status: no assertion criteria provided. Collection method: clinical testing. Allele origin: germline. Not counted in ClinVar's aggregate classification.
Comment: This variant is classified as likely benign based on ACMG/AMP sequence variant interpretation guidelines (Richards et al. 2015 PMID: 25741868, with internal and published modifications).